The following is an entry in ClinVar:

NM_006231.4(POLE):c.414T>G (p.Asp138Glu)

Gene: POLE (DNA polymerase epsilon, catalytic subunit; minus strand). Cytogenetic location: 12q24.33.
Variant type: single nucleotide variant.
Coding change: c.414T>G on transcript NM_006231.4 (MANE Select); coding-DNA position 414, T replaced by G.
Protein change: p.Asp138Glu; replaces aspartic acid 138 with glutamic acid.
Molecular consequence: missense variant.
Genome position (GRCh38, 1-based): chr12:132,679,963, A>C on the plus strand (T>G on the coding strand, the complement: POLE is on the minus strand). VCF-style: chr12-132679963-A-C. GRCh37 (hg19) VCF-style: chr12-133256549-A-C.
Other names: short protein forms D138E.
Identifiers: ClinVar variation 654156 (VCV000654156.8), dbSNP rs1593085852, ClinGen allele CA387368014.

ClinVar aggregate classification (germline): Uncertain significance (1 of 4 stars; one submission).

Submission:

Labcorp Genetics (formerly Invitae), Labcorp
Classification: Uncertain significance. Last evaluated: 2021-01-30. Review status: criteria provided, single submitter. Criteria: Invitae Variant Classification Sherloc (09022015). Collection method: clinical testing. Allele origin: germline.
Comment: In summary, the available evidence is currently insufficient to determine the role of this variant in disease. Therefore, it has been classified as a Variant of Uncertain Significance. Algorithms developed to predict the effect of missense changes on protein structure and function are either unavailable or do not agree on the potential impact of this missense change (SIFT: "Deleterious"; PolyPhen-2: "Probably Damaging"; Align-GVGD: "Class C0"). This variant has not been reported in the literature in individuals with POLE-related conditions. This variant is not present in population databases (ExAC no frequency). This sequence change replaces aspartic acid with glutamic acid at codon 138 of the POLE protein (p.Asp138Glu). The aspartic acid residue is highly conserved and there is a small physicochemical difference between aspartic acid and glutamic acid.